The following is an entry in ClinVar:

NM_002230.4(JUP):c.1100G>T (p.Arg367Leu)

Gene: JUP (junction plakoglobin; minus strand). Cytogenetic location: 17q21.2.
Variant type: single nucleotide variant.
Coding change: c.1100G>T on transcript NM_002230.4 (MANE Select); coding-DNA position 1100, G replaced by T.
Protein change: p.Arg367Leu; replaces arginine 367 with leucine.
Molecular consequence: missense variant.
Genome position (GRCh38, 1-based): chr17:41,764,771, C>A on the plus strand (G>T on the coding strand, the complement: JUP is on the minus strand). VCF-style: chr17-41764771-C-A. GRCh37 (hg19) VCF-style: chr17-39921023-C-A.
Other names: c.1100G>T, p.Arg367Leu (NM_001352773.2, NM_001352774.2, NM_001352775.2 and 3 more transcripts); c.1100G>T (NM_002230.2); short protein forms R367L.
Identifiers: ClinVar variation 1057968 (VCV001057968.10), dbSNP rs782067441, ClinGen allele CA399498887.
Genomic context (GRCh38, chr17:41,764,771, plus strand): 5'-ACCTGCTTGGTGGCCACATCTGAGAGGTTGCGCAGGGTCCACAGGCAGTTCTGCACCAGG[C>A]GGGGGCTGTTGCTGGTCAGGTGCTTGCCCAGGGCCTGCATCCCACCTGGGGCAGGGATAG-3'
Protein context (NP_002221.1, residues 357-377): LGKHLTSNSP[Arg367Leu]LVQNCLWTLR

ClinVar aggregate classification (germline): Uncertain significance. Review status: criteria provided, multiple submitters, no conflicts (2 of 4 stars). 2 submissions from 2 submitters: Uncertain significance (2). Last evaluated 2025-12-21.

Conditions:
Arrhythmogenic right ventricular dysplasia 12. Also called: ARRHYTHMOGENIC RIGHT VENTRICULAR DYSPLASIA, FAMILIAL, 12. Identifiers: MedGen C1969081, MONDO:0012684, OMIM 611528.
Naxos disease (NXD). Also called: CARDIOMYOPATHY, ARRHYTHMOGENIC RIGHT VENTRICULAR, WITH SKIN, HAIR, AND NAIL ABNORMALITIES; KERATOSIS PALMOPLANTARIS WITH ARRHYTHMOGENIC CARDIOMYOPATHY; MAL DE NAXOS; PALMOPLANTAR KERATODERMA WITH ARRHYTHMOGENIC RIGHT VENTRICULAR CARDIOMYOPATHY AND WOOLLY HAIR; WOOLLY HAIR, PALMOPLANTAR KERATODERMA, AND CARDIAC ABNORMALITIES. Identifiers: Orphanet 34217, MedGen C1832600, MONDO:0011017, OMIM 601214.

Allele frequency attached by ClinVar (database versions not stated): gnomAD 0.00001; TOPMed 0.00001.
gnomAD v4.1: 4 of 1,613,488 alleles (0.00025%); highest among the groups gnomAD compares: Non-Finnish European, 0.00034%; no homozygotes.

Submissions (2):

Labcorp Genetics (formerly Invitae), Labcorp
Classification: Uncertain significance for Arrhythmogenic right ventricular dysplasia 12; Naxos disease. Last evaluated: 2025-12-21. Review status: criteria provided, single submitter. Criteria: Invitae Variant Classification Sherloc (09022015). Collection method: clinical testing. Allele origin: germline.
Comment: This sequence change replaces arginine, which is basic and polar, with leucine, which is neutral and non-polar, at codon 367 of the JUP protein (p.Arg367Leu). This variant is not present in population databases (gnomAD no frequency). This variant has not been reported in the literature in individuals affected with JUP-related conditions. ClinVar contains an entry for this variant (Variation ID: 1057968). An algorithm developed to predict the effect of missense changes on protein structure and function (PolyPhen-2) suggests that this variant is likely to be disruptive. In summary, the available evidence is currently insufficient to determine the role of this variant in disease. Therefore, it has been classified as a Variant of Uncertain Significance.

GeneDx
Classification: Uncertain significance. Last evaluated: 2023-09-14. Review status: criteria provided, single submitter. Criteria: GeneDx Variant Classification Process June 2021. Collection method: clinical testing. Allele origin: germline. Affected: yes.
Comment: Observed in an individual with Ebstein anomaly (PMID: 27788187); Not observed at significant frequency in large population cohorts (gnomAD); In silico analysis supports that this missense variant has a deleterious effect on protein structure/function; This variant is associated with the following publications: (PMID: 27788187)